The following is an entry in ClinVar:

ClinVar aggregate classification (germline): Conflicting classifications of pathogenicity. Review status: criteria provided, conflicting classifications (1 of 4 stars). 3 submissions from 3 submitters: Likely pathogenic (2); Uncertain significance (1). Last evaluated 2025-11-03.

Conditions:
Retinitis pigmentosa 19 (RP19). Also called: ABCA4-Related Retinitis Pigmentosa. Identifiers: Orphanet 791, MedGen C1866422, MONDO:0011137, OMIM 601718.
Cone-rod dystrophy 3 (CORD3). Identifiers: Orphanet 1872, MedGen C1858806, MONDO:0011395, OMIM 604116.
Severe early-childhood-onset retinal dystrophy (STGD1). Also called: STGD; Stargardt macular dystrophy; Juvenile onset macular degeneration; Stargardt disease 1; MACULAR DYSTROPHY WITH FLECKS, TYPE 1. Identifiers: Orphanet 364055, Orphanet 827, MedGen C1855465, MeSH D000080362, MONDO:0009549, OMIM 248200.

Allele frequency attached by ClinVar (database versions not stated): gnomAD exomes 0.00001; TOPMed 0.00003; gnomAD 0.00001; ExAC 0.00001.

Submissions (3):

Labcorp Genetics (formerly Invitae), Labcorp
Classification: Likely pathogenic. Last evaluated: 2025-11-03. Review status: criteria provided, single submitter. Criteria: Invitae Variant Classification Sherloc (09022015). Collection method: clinical testing. Allele origin: germline.
Comment: This sequence change replaces arginine, which is basic and polar, with glutamine, which is neutral and polar, at codon 1002 of the ABCA4 protein (p.Arg1002Gln). This variant is present in population databases (rs752000268, gnomAD 0.003%). This variant has not been reported in the literature in individuals affected with ABCA4-related conditions. ClinVar contains an entry for this variant (Variation ID: 1005582). Invitae Evidence Modeling of protein sequence and biophysical properties (such as structural, functional, and spatial information, amino acid conservation, physicochemical variation, residue mobility, and thermodynamic stability) has been performed for this missense variant. However, the output from this modeling did not meet the statistical confidence thresholds required to predict the impact of this variant on ABCA4 protein function. This variant disrupts the p.Arg1002 amino acid residue in ABCA4. Other variant(s) that disrupt this residue have been determined to be pathogenic (PMID: 23143460; internal data). This suggests that this residue is clinically significant, and that variants that disrupt this residue are likely to be disease-causing. In summary, the currently available evidence indicates that the variant is pathogenic, but additional data are needed to prove that conclusively. Therefore, this variant has been classified as Likely Pathogenic.

First Genomix Gene Laboratory, Genetic Diagnostics Department
Classification: Likely pathogenic for Cone-rod dystrophy 3; Severe early-childhood-onset retinal dystrophy; Retinitis pigmentosa 19. Last evaluated: 2025-08-08. Review status: criteria provided, single submitter. Criteria: ACMG Guidelines, 2015. Collection method: clinical testing. Allele origin: germline. Inheritance: Autosomal recessive inheritance. Affected: no. Observed: 1 variant allele.

Women's Health and Genetics/Laboratory Corporation of America, LabCorp
Classification: Uncertain significance. Last evaluated: 2023-07-26. Review status: criteria provided, single submitter. Criteria: LabCorp Variant Classification Summary - May 2015. Collection method: clinical testing. Allele origin: germline.
Comment: Variant summary: ABCA4 c.3005G>A (p.Arg1002Gln) results in a conservative amino acid change located in the ABC transporter-like, ATP-binding domain of the encoded protein sequence. Four of five in-silico tools predict a damaging effect of the variant on protein function. The variant allele was found at a frequency of 1.2e-05 in 251486 control chromosomes. The available data on variant occurrences in the general population are insufficient to allow any conclusion about variant significance. To our knowledge, no occurrence of c.3005G>A in individuals affected with Retinitis Pigmentosa and no experimental evidence demonstrating its impact on protein function have been reported. One submitter has cited clinical-significance assessments for this variant to ClinVar after 2014 and has classified the variant as likely pathogenic. Based on the evidence outlined above, the variant was classified as uncertain significance.

Literature cited by the submitters: PubMed 23143460 (cited by Labcorp Genetics (formerly Invitae), Labcorp).

NM_000350.3(ABCA4):c.3005G>A (p.Arg1002Gln)

Gene: ABCA4 (ATP binding cassette subfamily A member 4; minus strand). Cytogenetic location: 1p22.1.
Variant type: single nucleotide variant.
Coding change: c.3005G>A on transcript NM_000350.3 (MANE Select); coding-DNA position 3005, G replaced by A.
Protein change: p.Arg1002Gln; replaces arginine 1002 with glutamine.
Molecular consequence: missense variant.
Genome position (GRCh38, 1-based): chr1:94,044,658, C>T on the plus strand (G>A on the coding strand, the complement: ABCA4 is on the minus strand). VCF-style: chr1-94044658-C-T. GRCh37 (hg19) VCF-style: chr1-94510214-C-T.
Other names: c.2783G>A, p.Arg928Gln (NM_001425324.1); short protein forms R1002Q, R928Q.
Identifiers: ClinVar variation 1005582 (VCV001005582.11), dbSNP rs752000268, ClinGen allele CA958079.